The following is an entry in ClinVar:

NM_031885.5(BBS2):c.710G>A (p.Arg237Lys)

Gene: BBS2 (Bardet-Biedl syndrome 2; minus strand). Cytogenetic location: 16q13.
Variant type: single nucleotide variant.
Coding change: c.710G>A on transcript NM_031885.5 (MANE Select); coding-DNA position 710, G replaced by A.
Protein change: p.Arg237Lys; replaces arginine 237 with lysine.
Molecular consequence: missense variant. On other transcripts: non-coding transcript variant (5).
Genome position (GRCh38, 1-based): chr16:56,506,127, C>T on the plus strand (G>A on the coding strand, the complement: BBS2 is on the minus strand). VCF-style: chr16-56506127-C-T. GRCh37 (hg19) VCF-style: chr16-56540039-C-T.
Other names: c.710G>A, p.Arg237Lys (NM_001377456.1); short protein forms R237K.
Identifiers: ClinVar variation 2416385 (VCV002416385.7), dbSNP rs377718970, ClinGen allele CA8065957.

ClinVar aggregate classification (germline): Uncertain significance. Review status: criteria provided, multiple submitters, no conflicts (2 of 4 stars). 3 submissions from 3 submitters: Uncertain significance (3). Last evaluated 2024-11-05.

Conditions:
Bardet-Biedl syndrome (BBS). Identifiers: Orphanet 110, MedGen C0752166, MONDO:0015229.
Bardet-Biedl syndrome 2 (BBS2). Identifiers: Orphanet 110, MedGen C2936863, MONDO:0014432, OMIM 615981.
Retinitis pigmentosa 74 (RP74). Identifiers: Orphanet 791, MedGen C4225281, MONDO:0014692, OMIM 616562.

Allele frequency attached by ClinVar (database versions not stated): gnomAD 0.00001; ExAC 0.00002; TOPMed 0.00002; gnomAD exomes 0.00004; ESP Exome Variant Server 0.00008.
gnomAD v4.1: 62 of 1,613,360 alleles (0.0038%); highest among the groups gnomAD compares: Non-Finnish European, 0.0053%; no homozygotes.

Submissions (3):

Labcorp Genetics (formerly Invitae), Labcorp
Classification: Uncertain significance for Bardet-Biedl syndrome. Last evaluated: 2024-11-05. Review status: criteria provided, single submitter. Criteria: Invitae Variant Classification Sherloc (09022015). Collection method: clinical testing. Allele origin: germline.
Comment: This sequence change replaces arginine, which is basic and polar, with lysine, which is basic and polar, at codon 237 of the BBS2 protein (p.Arg237Lys). This variant is present in population databases (rs377718970, gnomAD 0.002%). This variant has not been reported in the literature in individuals affected with BBS2-related conditions. ClinVar contains an entry for this variant (Variation ID: 2416385). Invitae Evidence Modeling of protein sequence and biophysical properties (such as structural, functional, and spatial information, amino acid conservation, physicochemical variation, residue mobility, and thermodynamic stability) indicates that this missense variant is expected to disrupt BBS2 protein function with a positive predictive value of 80%. In summary, the available evidence is currently insufficient to determine the role of this variant in disease. Therefore, it has been classified as a Variant of Uncertain Significance.

Fulgent Genetics
Classification: Uncertain significance for Bardet-Biedl syndrome 2; Retinitis pigmentosa 74. Last evaluated: 2024-05-13. Review status: criteria provided, single submitter. Criteria: ACMG Guidelines, 2015. Collection method: clinical testing. Allele origin: germline.

Blueprint Genetics
Classification: Uncertain significance. Last evaluated: 2023-12-21. Review status: criteria provided, single submitter. Criteria: ACMG Guidelines, 2015. Collection method: clinical testing. Allele origin: germline.